The following is an entry in ClinVar:

NM_000059.4(BRCA2):c.8491A>G (p.Met2831Val)

Gene: BRCA2 (BRCA2 DNA repair associated; plus strand). Cytogenetic location: 13q13.1.
Variant type: single nucleotide variant.
Coding change: c.8491A>G on transcript NM_000059.4 (MANE Select); coding-DNA position 8491, A replaced by G.
Protein change: p.Met2831Val; replaces methionine 2831 with valine.
Molecular consequence: missense variant.
Genome position (GRCh38, 1-based): chr13:32,370,959, A>G. VCF-style: chr13-32370959-A-G. GRCh37 (hg19) VCF-style: chr13-32945096-A-G.
Other names: short protein forms M2831V.
Identifiers: ClinVar variation 462481 (VCV000462481.15), dbSNP rs760663398, ClinGen allele CA6941252.
Genomic context (GRCh38, chr13:32,370,959, plus strand): 5'-AATTAACTTGAATGTTATATATGTGACTTTTTTGGTGTGTGTAACACATTATTACAGTGG[A>G]TGGAGAAGACATCATCTGGATTATACATATTTCGCAATGAAAGAGAGGAAGAAAAGGAAG-3'
Protein context (NP_000050.3, residues 2821-2841): IIQRAYPIQW[Met2831Val]EKTSSGLYIF

ClinVar aggregate classification (germline): Conflicting classifications of pathogenicity. Review status: criteria provided, conflicting classifications (1 of 4 stars). 2 submissions from 2 submitters: Uncertain significance (1); Benign (1). Last evaluated 2025-05-19.

Conditions:
Hereditary cancer-predisposing syndrome. Also called: Neoplastic Syndromes, Hereditary; Hereditary Cancer Syndrome; Hereditary neoplastic syndrome; Tumor predisposition. Identifiers: Orphanet 140162, MedGen C0027672, MeSH D009386, MONDO:0015356.
Hereditary breast ovarian cancer syndrome. Also called: Hereditary breast and ovarian cancer syndrome (HBOC); Hereditary breast and ovarian cancer syndrome; Breast and ovarian cancer; Hereditary breast and/or ovarian cancer syndrome; Hereditary breast and ovarian cancer; BRCA1- and BRCA2-Associated Hereditary Breast and Ovarian Cancer. Identifiers: Orphanet 145, MedGen C0677776, MeSH D061325, MONDO:0003582. Disease mechanism: loss of function.

Allele frequency attached by ClinVar (database versions not stated): gnomAD exomes below 0.00001 and 0.00001; ExAC 0.00001.
gnomAD v4.1: 3 of 1,614,096 alleles (0.00019%); no homozygotes.

Submissions (2):

Ambry Genetics
Classification: Benign for Hereditary cancer-predisposing syndrome. Last evaluated: 2025-05-19. Review status: criteria provided, single submitter. Criteria: Ambry Variant Classification Scheme 2023. Collection method: clinical testing. Allele origin: germline.

Labcorp Genetics (formerly Invitae), Labcorp
Classification: Uncertain significance for Hereditary breast ovarian cancer syndrome. Last evaluated: 2025-03-26. Review status: criteria provided, single submitter. Criteria: Invitae Variant Classification Sherloc (09022015). Collection method: clinical testing. Allele origin: germline.
Comment: This sequence change replaces methionine, which is neutral and non-polar, with valine, which is neutral and non-polar, at codon 2831 of the BRCA2 protein (p.Met2831Val). This variant is present in population databases (rs760663398, gnomAD no frequency). This variant has not been reported in the literature in individuals affected with BRCA2-related conditions. ClinVar contains an entry for this variant (Variation ID: 462481). Invitae Evidence Modeling of protein sequence and biophysical properties (such as structural, functional, and spatial information, amino acid conservation, physicochemical variation, residue mobility, and thermodynamic stability) indicates that this missense variant is not expected to disrupt BRCA2 protein function with a negative predictive value of 95%. In summary, the available evidence is currently insufficient to determine the role of this variant in disease. Therefore, it has been classified as a Variant of Uncertain Significance.